The following is an entry in ClinVar:

ClinVar aggregate classification (germline): Uncertain significance (1 of 4 stars; one submission).

Allele frequency attached by ClinVar (database versions not stated): gnomAD exomes 0.00001; ExAC 0.00001.
gnomAD v4.1: 8 of 1,544,190 alleles (0.00052%); highest among the groups gnomAD compares: South Asian, 0.0067%; no homozygotes.

Submission:

Labcorp Genetics (formerly Invitae), Labcorp
Classification: Uncertain significance. Last evaluated: 2022-08-23. Review status: criteria provided, single submitter. Criteria: Invitae Variant Classification Sherloc (09022015). Collection method: clinical testing. Allele origin: germline.
Comment: This sequence change replaces isoleucine, which is neutral and non-polar, with valine, which is neutral and non-polar, at codon 256 of the GTF2E2 protein (p.Ile256Val). This variant is present in population databases (rs776919336, gnomAD 0.006%). This variant has not been reported in the literature in individuals affected with GTF2E2-related conditions. ClinVar contains an entry for this variant (Variation ID: 1396406). Algorithms developed to predict the effect of missense changes on protein structure and function (SIFT, PolyPhen-2, Align-GVGD) all suggest that this variant is likely to be tolerated. In summary, the available evidence is currently insufficient to determine the role of this variant in disease. Therefore, it has been classified as a Variant of Uncertain Significance.

NM_002095.6(GTF2E2):c.766A>G (p.Ile256Val)

Gene: GTF2E2 (general transcription factor IIE subunit 2; minus strand). Cytogenetic location: 8p12.
Variant type: single nucleotide variant.
Coding change: c.766A>G on transcript NM_002095.6 (MANE Select); coding-DNA position 766, A replaced by G.
Protein change: p.Ile256Val; replaces isoleucine 256 with valine.
Molecular consequence: missense variant.
Genome position (GRCh38, 1-based): chr8:30,579,031, T>C on the plus strand (A>G on the coding strand, the complement: GTF2E2 is on the minus strand). VCF-style: chr8-30579031-T-C. GRCh37 (hg19) VCF-style: chr8-30436548-T-C.
Other names: short protein forms I256V.
Identifiers: ClinVar variation 1396406 (VCV001396406.8), dbSNP rs776919336, ClinGen allele CA4700858.